The following is an entry in ClinVar:

ClinVar aggregate classification (germline): Conflicting classifications of pathogenicity. Review status: criteria provided, conflicting classifications (1 of 4 stars). 3 submissions from 3 submitters: Pathogenic (1); Uncertain significance (1). 1 of the submissions does not count toward it. Last evaluated 2023-02-02.

Conditions:
Polycystic liver disease 1 (PCLD1). Also called: Polycystic liver disease 1 with or without kidney cysts. Identifiers: Orphanet 2924, MedGen C0887850, MONDO:0008265, OMIM 174050.
Polycystic kidney disease. Also called: Kidney, Polycystic; Polycystic kidney dysplasia. Identifiers: MedGen C0022680, MeSH D007690, MONDO:0020642, HP:0000113.

gnomAD v4.1: 1 of 961,230 alleles (0.0001%); no homozygotes.

Submissions (3):

Blueprint Genetics
Classification: Uncertain significance. Last evaluated: 2023-02-02. Review status: criteria provided, single submitter. Criteria: ACMG Guidelines, 2015. Collection method: clinical testing. Allele origin: germline.

Centre for Mendelian Genomics, University Medical Centre Ljubljana
Classification: Pathogenic for Polycystic kidney disease; Autosomal dominant polycystic liver disease. Last evaluated: 2017-01-01. Review status: criteria provided, single submitter. Criteria: ACMG Guidelines, 2015. Collection method: clinical testing. Allele origin: unknown. Affected: yes.

Department of Pathology and Laboratory Medicine, Sinai Health System
Classification: Pathogenic for Polycystic Kidney disease. Review status: no assertion criteria provided. Collection method: clinical testing. Allele origin: unknown. Affected: yes. Study: The Canadian Open Genetics Repository (COGR). Not counted in ClinVar's aggregate classification.
Comment: The PKD1 p.Gln739X variant was not identified in the literature nor was it identified in dbSNP, Clinvitae, ClinVar, GeneInsight-COGR, MutDB, ADPKD Mutation Database, PKD1-LOVD, and PKD1-LOVD 3.0. The p.Gln739X variant leads to a premature stop codon at position 739, which is predicted to lead to a truncated or absent protein and loss of function. Loss of function variants of the PKD1 gene are an established mechanism of disease in autosomal dominant polycystic kidney disease and is the type of variant expected to cause the disorder. In summary, based on the above information, this variant meets our laboratoryâ€šÃ„Ã´s criteria to be classified as pathogenic.

NM_001009944.3(PKD1):c.2215C>T (p.Arg739Trp)

Gene: PKD1 (polycystin 1, transient receptor potential channel interacting; minus strand). Cytogenetic location: 16p13.3.
Variant type: single nucleotide variant.
Coding change: c.2215C>T on transcript NM_001009944.3 (MANE Select); coding-DNA position 2215, C replaced by T.
Protein change: p.Arg739Trp; replaces arginine 739 with tryptophan.
Molecular consequence: missense variant.
Genome position (GRCh38, 1-based): chr16:2,114,808, G>A on the plus strand (C>T on the coding strand, the complement: PKD1 is on the minus strand). VCF-style: chr16-2114808-G-A. GRCh37 (hg19) VCF-style: chr16-2164809-G-A.
Other names: c.2215C>T, p.Arg739Trp (NM_000296.4); short protein forms R739W.
Identifiers: ClinVar variation 433952 (VCV000433952.5), dbSNP rs747483368, ClinGen allele CA394388657.